The following is an entry in ClinVar:

NM_000069.3(CACNA1S):c.5253T>C (p.Pro1751=)

Gene: CACNA1S (calcium voltage-gated channel subunit alpha1 S; minus strand). Cytogenetic location: 1q32.1.
Variant type: single nucleotide variant.
Coding change: c.5253T>C on transcript NM_000069.3 (MANE Select); coding-DNA position 5253, T replaced by C.
Protein change: p.Pro1751=; no amino-acid change (proline 1751 retained).
Molecular consequence: synonymous variant.
Genome position (GRCh38, 1-based): chr1:201,040,348, A>G on the plus strand (T>C on the coding strand, the complement: CACNA1S is on the minus strand). VCF-style: chr1-201040348-A-G. GRCh37 (hg19) VCF-style: chr1-201009476-A-G.
Identifiers: ClinVar variation 3071029 (VCV003071029.3), dbSNP rs2464390915, ClinGen allele CA422815180.

ClinVar aggregate classification (germline): Likely benign. Review status: criteria provided, multiple submitters, no conflicts (2 of 4 stars). 2 submissions from 2 submitters: Likely benign (2). Last evaluated 2024-07-27.

Conditions:
Malignant hyperthermia, susceptibility to, 5 (MHS5). Also called: CACNA1S-Related Malignant Hyperthermia Susceptibility. Identifiers: Orphanet 423, MedGen C1866077, MONDO:0011163, OMIM 601887.
Hypokalemic periodic paralysis, type 1. Also called: HypoPP; Hypokalemic Periodic Paralysis Type 1 (AD). Identifiers: Orphanet 681, MedGen C3714580, MONDO:0042979, OMIM 170400.

Allele frequency attached by ClinVar (database versions not stated): gnomAD exomes below 0.00001.
gnomAD v4.1: 6 of 1,613,608 alleles (0.00037%); highest among the groups gnomAD compares: Non-Finnish European, 0.00051%; no homozygotes.

Submissions (2):

Labcorp Genetics (formerly Invitae), Labcorp
Classification: Likely benign for Hypokalemic periodic paralysis, type 1; Malignant hyperthermia, susceptibility to, 5. Last evaluated: 2024-07-27. Review status: criteria provided, single submitter. Criteria: Invitae Variant Classification Sherloc (09022015). Collection method: clinical testing. Allele origin: germline.

All of Us Research Program, National Institutes of Health
Classification: Likely benign for Malignant hyperthermia, susceptibility to, 5. Last evaluated: 2023-12-01. Review status: criteria provided, single submitter. Criteria: ACMG Guidelines, 2015. Collection method: clinical testing. Allele origin: germline. Inheritance: Autosomal dominant inheritance. Observed: 2 variant alleles, 2 heterozygotes.
Comment: This study involves interpretation of variants in research participants for the purpose of population health screening. Participant phenotype was not available at the time of variant classification. Additional details can be found in publication PMID: 35346344, PMCID: PMC8962531